The following is an entry in ClinVar:

ClinVar aggregate classification (germline): Uncertain significance (1 of 4 stars; one submission).

Conditions:
Bethlem myopathy 1A. Also called: Bethlem myopathy 1; MYOPATHY, BENIGN CONGENITAL, WITH CONTRACTURES; Bethlem Muscular Dystrophy. Identifiers: Orphanet 610, MedGen CN029274, MONDO:0024530, OMIM 158810.

Submission:

Labcorp Genetics (formerly Invitae), Labcorp
Classification: Uncertain significance for Bethlem myopathy 1A. Last evaluated: 2024-05-27. Review status: criteria provided, single submitter. Criteria: Invitae Variant Classification Sherloc (09022015). Collection method: clinical testing. Allele origin: germline.
Comment: This sequence change replaces arginine, which is basic and polar, with lysine, which is basic and polar, at codon 284 of the COL6A2 protein (p.Arg284Lys). This variant is not present in population databases (gnomAD no frequency). This variant has not been reported in the literature in individuals affected with COL6A2-related conditions. Advanced modeling of protein sequence and biophysical properties (such as structural, functional, and spatial information, amino acid conservation, physicochemical variation, residue mobility, and thermodynamic stability) performed at Invitae indicates that this missense variant is not expected to disrupt COL6A2 protein function with a negative predictive value of 80%. In summary, the available evidence is currently insufficient to determine the role of this variant in disease. Therefore, it has been classified as a Variant of Uncertain Significance.

NM_001849.4(COL6A2):c.851G>A (p.Arg284Lys)

Gene: COL6A2 (collagen type VI alpha 2 chain; plus strand). Cytogenetic location: 21q22.3.
Variant type: single nucleotide variant.
Coding change: c.851G>A on transcript NM_001849.4 (MANE Select); coding-DNA position 851, G replaced by A.
Protein change: p.Arg284Lys; replaces arginine 284 with lysine.
Molecular consequence: missense variant.
Genome position (GRCh38, 1-based): chr21:46,115,921, G>A. VCF-style: chr21-46115921-G-A. GRCh37 (hg19) VCF-style: chr21-47535835-G-A.
Other names: c.851G>A, p.Arg284Lys (NM_058174.3, NM_058175.3); short protein forms R284K.
Identifiers: ClinVar variation 3647157 (VCV003647157.2).